The following is an entry in ClinVar:

NM_003924.4(PHOX2B):c.394G>T (p.Ala132Ser)

Gene: PHOX2B (paired like homeobox 2B; minus strand). Cytogenetic location: 4p13.
Variant type: single nucleotide variant.
Coding change: c.394G>T on transcript NM_003924.4 (MANE Select); coding-DNA position 394, G replaced by T.
Protein change: p.Ala132Ser; replaces alanine 132 with serine.
Molecular consequence: missense variant.
Genome position (GRCh38, 1-based): chr4:41,747,384, C>A on the plus strand (G>T on the coding strand, the complement: PHOX2B is on the minus strand). VCF-style: chr4-41747384-C-A. GRCh37 (hg19) VCF-style: chr4-41749401-C-A.
Other names: c.394G>T (NM_003924.3); short protein forms A132S.
Identifiers: ClinVar variation 1349631 (VCV001349631.9), dbSNP rs2153112932, ClinGen allele CA356739901.

ClinVar aggregate classification (germline): Uncertain significance. Review status: criteria provided, multiple submitters, no conflicts (2 of 4 stars). 2 submissions from 2 submitters: Uncertain significance (2). Last evaluated 2025-03-24.

Conditions:
Hereditary cancer-predisposing syndrome. Also called: Hereditary neoplastic syndrome; Tumor predisposition; Neoplastic Syndromes, Hereditary; Hereditary Cancer Syndrome. Identifiers: Orphanet 140162, MedGen C0027672, MeSH D009386, MONDO:0015356.
Haddad syndrome (OHD). Also called: Ondine-Hirschsprung disease. Identifiers: Orphanet 99803, MedGen C1859049, MONDO:0020493.

Submissions (2):

Ambry Genetics
Classification: Uncertain significance for Hereditary cancer-predisposing syndrome. Last evaluated: 2025-03-24. Review status: criteria provided, single submitter. Criteria: Ambry Variant Classification Scheme 2023. Collection method: clinical testing. Allele origin: germline.
Comment: The p.A132S variant (also known as c.394G>T), located in coding exon 2 of the PHOX2B gene, results from a G to T substitution at nucleotide position 394. The alanine at codon 132 is replaced by serine, an amino acid with similar properties. This amino acid position is conserved. In addition, this alteration is predicted to be deleterious by in silico analysis. Based on the available evidence, the clinical significance of this variant remains unclear.

Labcorp Genetics (formerly Invitae), Labcorp
Classification: Uncertain significance for Haddad syndrome. Last evaluated: 2021-04-28. Review status: criteria provided, single submitter. Criteria: Invitae Variant Classification Sherloc (09022015). Collection method: clinical testing. Allele origin: germline.
Comment: In summary, the available evidence is currently insufficient to determine the role of this variant in disease. Therefore, it has been classified as a Variant of Uncertain Significance. Algorithms developed to predict the effect of missense changes on protein structure and function (SIFT, PolyPhen-2, Align-GVGD) all suggest that this variant is likely to be disruptive, but these predictions have not been confirmed by published functional studies and their clinical significance is uncertain. This variant has not been reported in the literature in individuals with PHOX2B-related conditions. This variant is not present in population databases (ExAC no frequency). This sequence change replaces alanine with serine at codon 132 of the PHOX2B protein (p.Ala132Ser). The alanine residue is highly conserved and there is a moderate physicochemical difference between alanine and serine.